The following is an entry in ClinVar:

ClinVar aggregate classification (germline): Likely pathogenic (1 of 4 stars; one submission).

Conditions:
Glycogen storage disease, type V (GSD5). Also called: PYGM DEFICIENCY; McArdle type glycogen storage disease; MCARDLE DISEASE; MUSCLE GLYCOGEN PHOSPHORYLASE DEFICIENCY; MYOPHOSPHORYLASE DEFICIENCY. Identifiers: Orphanet 368, MedGen C0017924, MONDO:0009293, OMIM 232600.

gnomAD v4.1: 1 of 1,600,420 alleles (0.000062%); highest among the groups gnomAD compares: Non-Finnish European, 0.000085%; no homozygotes.

Submission:

Labcorp Genetics (formerly Invitae), Labcorp
Classification: Likely pathogenic for Glycogen storage disease, type V. Last evaluated: 2025-12-09. Review status: criteria provided, single submitter. Criteria: Invitae Variant Classification Sherloc (09022015). Collection method: clinical testing. Allele origin: germline.
Comment: This sequence change affects an acceptor splice site in intron 9 of the PYGM gene. It is expected to disrupt RNA splicing. Variants that disrupt the donor or acceptor splice site typically lead to a loss of protein function (PMID: 16199547), and loss-of-function variants in PYGM are known to be pathogenic (PMID: 8316268, 16786513). This variant is not present in population databases (gnomAD no frequency). Disruption of this splice site has been observed in individual(s) with clinical features of McArdle disease (PMID: 16786513, 29143597). Algorithms developed to predict the effect of sequence changes on RNA splicing suggest that this variant may disrupt the consensus splice site. In summary, the currently available evidence indicates that the variant is pathogenic, but additional data are needed to prove that conclusively. Therefore, this variant has been classified as Likely Pathogenic.

Literature cited by the submitters: PubMed 16199547; PubMed 8316268; PubMed 16786513; PubMed 29143597.

NM_005609.4(PYGM):c.1093-1G>A

Gene: PYGM (glycogen phosphorylase, muscle associated; minus strand). Cytogenetic location: 11q13.1.
Variant type: single nucleotide variant.
Coding change: c.1093-1G>A on transcript NM_005609.4 (MANE Select); the canonical splice acceptor site of the intron before coding-DNA position 1093, G replaced by A.
Molecular consequence: splice acceptor variant.
Genome position (GRCh38, 1-based): chr11:64,754,026, C>T on the plus strand (G>A on the coding strand, the complement: PYGM is on the minus strand). VCF-style: chr11-64754026-C-T. GRCh37 (hg19) VCF-style: chr11-64521498-C-T.
Other names: c.829-1G>A (NM_001164716.1).
Identifiers: ClinVar variation 4691734 (VCV004691734.1).